The following is an entry in ClinVar:

ClinVar aggregate classification (germline): Uncertain significance (1 of 4 stars; one submission).

Conditions:
Inborn genetic diseases. Identifiers: MedGen C0950123, MeSH D030342.

gnomAD v4.1: 1 of 1,614,088 alleles (0.000062%); highest among the groups gnomAD compares: African/African-American, 0.0013%; no homozygotes.

Submission:

Ambry Genetics
Classification: Uncertain significance for Inborn genetic diseases. Last evaluated: 2024-12-20. Review status: criteria provided, single submitter. Criteria: Ambry Variant Classification Scheme 2023. Collection method: clinical testing. Allele origin: germline.
Comment: The p.H867N variant (also known as c.2599C>A), located in coding exon 12 of the BMPR2 gene, results from a C to A substitution at nucleotide position 2599. The histidine at codon 867 is replaced by asparagine, an amino acid with similar properties. This amino acid position is conserved. In addition, the in silico prediction for this alteration is inconclusive. Based on the available evidence, the clinical significance of this variant remains unclear.

NM_001204.7(BMPR2):c.2599C>A (p.His867Asn)

Gene: BMPR2 (bone morphogenetic protein receptor type 2; plus strand). Cytogenetic location: 2q33.2.
Variant type: single nucleotide variant.
Coding change: c.2599C>A on transcript NM_001204.7 (MANE Select); coding-DNA position 2599, C replaced by A.
Protein change: p.His867Asn; replaces histidine 867 with asparagine.
Molecular consequence: missense variant.
Genome position (GRCh38, 1-based): chr2:202,556,264, C>A. VCF-style: chr2-202556264-C-A. GRCh37 (hg19) VCF-style: chr2-203420987-C-A.
Other names: short protein forms H867N.
Identifiers: ClinVar variation 3824755 (VCV003824755.1).